The following is an entry in ClinVar:

NM_000260.4(MYO7A):c.1554+7C>T

Gene: MYO7A (myosin VIIA; plus strand). Cytogenetic location: 11q13.5.
Variant type: single nucleotide variant.
Coding change: c.1554+7C>T on transcript NM_000260.4 (MANE Select); 7 bases into the intron after coding-DNA position 1554, C replaced by T.
Molecular consequence: intron variant.
Genome position (GRCh38, 1-based): chr11:77,162,337, C>T. VCF-style: chr11-77162337-C-T. GRCh37 (hg19) VCF-style: chr11-76873383-C-T.
Other names: c.1521+7C>T (NM_001369365.1); c.1554+7C>T (NM_001127180.2).
Identifiers: ClinVar variation 178480 (VCV000178480.24), dbSNP rs150114658, ClinGen allele CA182412.

ClinVar aggregate classification (germline): Conflicting classifications of pathogenicity. Review status: criteria provided, conflicting classifications (1 of 4 stars). 9 submissions from 7 submitters: Uncertain significance (2); Likely benign (5). 2 of the submissions do not count toward it. Last evaluated 2026-01-28.

Conditions:
Autosomal dominant nonsyndromic hearing loss 11. Identifiers: Orphanet 90635, MedGen C1832475, MONDO:0011032, OMIM 601317.
Autosomal recessive nonsyndromic hearing loss 2. Also called: NEUROSENSORY NONSYNDROMIC RECESSIVE DEAFNESS 2; DEAFNESS, AUTOSOMAL RECESSIVE 2. Identifiers: Orphanet 90636, MedGen C1838701, MONDO:0010807, OMIM 600060.
Usher syndrome type 1B (USH1B). Also called: Usher syndrome type IB. Identifiers: MedGen C1848638, MONDO:0700087.
MYO7A-related disorder. Also called: MYO7A-related disorders.
Usher syndrome type 1 (USH1). Also called: RETINITIS PIGMENTOSA AND CONGENITAL DEAFNESS. Identifiers: Orphanet 231169, Orphanet 886, MedGen C1568247, MONDO:0010168, OMIM 276900.

Allele frequency attached by ClinVar (database versions not stated): gnomAD exomes 0.00016; ExAC 0.00034; ESP Exome Variant Server 0.00063; gnomAD 0.00086 and 0.00090; TOPMed 0.00089; 1000 Genomes Project 30x 0.00187; 1000 Genomes Project 0.00200.
gnomAD v4.1: 273 of 1,551,128 alleles (0.018%); highest among the groups gnomAD compares: African/African-American, 0.28%; no homozygotes.

Submissions (9):

Labcorp Genetics (formerly Invitae), Labcorp
Classification: Likely benign. Last evaluated: 2026-01-28. Review status: criteria provided, single submitter. Criteria: Invitae Variant Classification Sherloc (09022015). Collection method: clinical testing. Allele origin: germline.

Blueprint Genetics
Classification: Likely benign. Last evaluated: 2023-03-21. Review status: criteria provided, single submitter. Criteria: ACMG Guidelines, 2015. Collection method: clinical testing. Allele origin: germline.

Illumina Laboratory Services, Illumina
Classification: Uncertain significance for Autosomal recessive nonsyndromic hearing loss 2. Last evaluated: 2018-01-12. Review status: criteria provided, single submitter. Criteria: ICSL Variant Classification Criteria 13 December 2019. Collection method: clinical testing. Allele origin: germline.

Illumina Laboratory Services, Illumina
Classification: Likely benign for Autosomal dominant nonsyndromic hearing loss 11. Last evaluated: 2018-01-12. Review status: criteria provided, single submitter. Criteria: ICSL Variant Classification Criteria 13 December 2019. Collection method: clinical testing. Allele origin: germline.
Comment: This variant was observed in the ICSL laboratory as part of a predisposition screen in an ostensibly healthy population. It had not been previously curated by ICSL or reported in the Human Gene Mutation Database (HGMD: prior to June 1st, 2018), and was therefore a candidate for classification through an automated scoring system. Utilizing variant allele frequency, disease prevalence and penetrance estimates, and inheritance mode, an automated score was calculated to assess if this variant is too frequent to cause the disease. Based on the score and internal cut-off values, a variant classified as likely benign is not then subjected to further curation. The score for this variant resulted in a classification of likely benign for this disease.

Illumina Laboratory Services, Illumina
Classification: Uncertain significance for Usher syndrome type 1. Last evaluated: 2018-01-12. Review status: criteria provided, single submitter. Criteria: ICSL Variant Classification Criteria 13 December 2019. Collection method: clinical testing. Allele origin: germline.

Eurofins Ntd Llc (ga)
Classification: Likely benign. Last evaluated: 2017-01-03. Review status: criteria provided, single submitter. Criteria: EGL Classification Definitions 2015. Collection method: clinical testing. Allele origin: germline. Observed: 1 variant allele, 1 heterozygote.

Laboratory for Molecular Medicine, Mass General Brigham Personalized Medicine
Classification: Likely benign. Last evaluated: 2015-07-21. Review status: criteria provided, single submitter. Criteria: LMM Criteria. Collection method: clinical testing. Allele origin: germline. Observed: 3 variant alleles.
Comment: c.1554+7C>T in intron 13 of MYO7A: This variant is not expected to have clinical significance because it is not located within the conserved splice consensus se quence and has been identified in 0.3% (6/2216) of African chromosomes by the Ex ome Aggregation Consortium (ExAC; dbSNP rs150114 658).

PreventionGenetics, part of Exact Sciences
Classification: Likely benign for MYO7A-related condition. Last evaluated: 2024-04-16. Review status: no assertion criteria provided. Collection method: clinical testing. Allele origin: germline. Not counted in ClinVar's aggregate classification.
Comment: This variant is classified as likely benign based on ACMG/AMP sequence variant interpretation guidelines (Richards et al. 2015 PMID: 25741868, with internal and published modifications).

Natera, Inc.
Classification: Likely benign for Usher syndrome type 1B. Last evaluated: 2020-09-16. Review status: no assertion criteria provided. Collection method: clinical testing. Allele origin: germline. Not counted in ClinVar's aggregate classification.